The following is an entry in ClinVar:

NM_032043.3(BRIP1):c.2576-17T>G

Gene: BRIP1 (BRCA1 interacting DNA helicase 1; minus strand). Cytogenetic location: 17q23.2.
Variant type: single nucleotide variant.
Coding change: c.2576-17T>G on transcript NM_032043.3 (MANE Select); 17 bases into the intron before coding-DNA position 2576, T replaced by G.
Molecular consequence: intron variant.
Genome position (GRCh38, 1-based): chr17:61,686,182, A>C on the plus strand (T>G on the coding strand, the complement: BRIP1 is on the minus strand). VCF-style: chr17-61686182-A-C. GRCh37 (hg19) VCF-style: chr17-59763543-A-C.
Identifiers: ClinVar variation 372100 (VCV000372100.4), dbSNP rs1057517647, ClinGen allele CA16042173.

ClinVar aggregate classification (germline): Uncertain significance. Review status: criteria provided, single submitter (1 of 4 stars). 3 submissions from 2 submitters: Uncertain significance (1). 2 of the submissions do not count toward it. Last evaluated 2023-02-27.

Conditions:
Ovarian cancer. Also called: OVARIAN CANCER, SOMATIC. Identifiers: Orphanet 213500, MedGen C1140680, MONDO:0008170, OMIM 167000.
Fanconi anemia complementation group J. Also called: BRIP1-Related Fanconi Anemia. Identifiers: Orphanet 84, MedGen C1836860, MONDO:0012187, OMIM 609054.
Familial cancer of breast. Also called: Hereditary breast cancer; BREAST CANCER, FAMILIAL; hereditary breast carcinoma. Identifiers: Orphanet 227535, MedGen C0346153, MONDO:0016419, OMIM 114480. Disease mechanism: loss of function.

Submissions (3):

Myriad Genetics, Inc.
Classification: Uncertain significance for Familial cancer of breast. Last evaluated: 2023-02-27. Review status: criteria provided, single submitter. Criteria: Myriad Autosomal Dominant, Autosomal Recessive and X-Linked Classification Criteria (2023). Collection method: clinical testing. Allele origin: unknown.
Comment: This variant is classified as a variant of uncertain significance as there is insufficient evidence to determine its impact on protein function and/or cancer risk.

Counsyl
Classification: Likely benign for Fanconi anemia complementation group J. Last evaluated: 2016-11-08. Review status: no assertion criteria provided. Collection method: clinical testing. Allele origin: unknown. Not counted in ClinVar's aggregate classification.

Counsyl
Classification: Likely benign for Ovarian cancer. Last evaluated: 2016-11-08. Review status: no assertion criteria provided. Collection method: clinical testing. Allele origin: unknown. Not counted in ClinVar's aggregate classification.